The following is an entry in ClinVar:

ClinVar aggregate classification (germline): Benign/Likely benign. Review status: criteria provided, multiple submitters, no conflicts (2 of 4 stars). 3 submissions from 3 submitters: Benign (1); Likely benign (1). 1 of the submissions does not count toward it. Last evaluated 2026-01-13.

Conditions:
TGDS-related disorder. Also called: TGDS-related condition.

Allele frequency attached by ClinVar (database versions not stated): gnomAD 0.00009; 1000 Genomes Project 30x 0.00016; 1000 Genomes Project 0.00020; TOPMed 0.00027; gnomAD exomes 0.00028 and 0.00058; ExAC 0.00049.
gnomAD v4.1: 182 of 1,614,140 alleles (0.011%); highest among the groups gnomAD compares: Admixed American, 0.3%; 1 homozygote.

Submissions (3):

Labcorp Genetics (formerly Invitae), Labcorp
Classification: Benign. Last evaluated: 2026-01-13. Review status: criteria provided, single submitter. Criteria: Invitae Variant Classification Sherloc (09022015). Collection method: clinical testing. Allele origin: germline.

CeGaT Center for Human Genetics Tuebingen
Classification: Likely benign. Last evaluated: 2026-01-01. Review status: criteria provided, single submitter. Criteria: CeGaT Center For Human Genetics Tuebingen Variant Classification Criteria Version 2. Collection method: clinical testing. Allele origin: germline. Affected: yes. Observed: 1 variant allele.
Comment: TGDS: BP4, BP7

PreventionGenetics, part of Exact Sciences
Classification: Likely benign for TGDS-related condition. Last evaluated: 2020-03-02. Review status: no assertion criteria provided. Collection method: clinical testing. Allele origin: germline. Not counted in ClinVar's aggregate classification.
Comment: This variant is classified as likely benign based on ACMG/AMP sequence variant interpretation guidelines (Richards et al. 2015 PMID: 25741868, with internal and published modifications).

NM_014305.4(TGDS):c.12G>A (p.Ala4=)

Genes: TGDS (TDP-glucose 4,6-dehydratase; minus strand), LOC130009954 (ATAC-STARR-seq lymphoblastoid active region 7866; plus strand). Cytogenetic location: 13q32.1.
Variant type: single nucleotide variant.
Coding change: c.12G>A on transcript NM_014305.4 (MANE Select); coding-DNA position 12, G replaced by A.
Protein change: p.Ala4=; no amino-acid change (alanine 4 retained).
Molecular consequence: synonymous variant. On other transcripts: 5 prime UTR variant (1), non-coding transcript variant (2).
Genome position (GRCh38, 1-based): chr13:94,596,125, C>T on the plus strand (G>A on the coding strand, the complement: TGDS is on the minus strand). VCF-style: chr13-94596125-C-T. GRCh37 (hg19) VCF-style: chr13-95248379-C-T.
Other names: c.-161G>A (NM_001304430.2).
Identifiers: ClinVar variation 778479 (VCV000778479.15), dbSNP rs186438569, ClinGen allele CA7018195.